The following is an entry in ClinVar:

NM_004415.4(DSP):c.4870A>G (p.Ile1624Val)

Gene: DSP (desmoplakin; plus strand). Cytogenetic location: 6p24.3.
Variant type: single nucleotide variant.
Coding change: c.4870A>G on transcript NM_004415.4 (MANE Select); coding-DNA position 4870, A replaced by G.
Protein change: p.Ile1624Val; replaces isoleucine 1624 with valine.
Molecular consequence: missense variant. On other transcripts: intron variant (2).
Genome position (GRCh38, 1-based): chr6:7,581,060, A>G. VCF-style: chr6-7581060-A-G. GRCh37 (hg19) VCF-style: chr6-7581293-A-G.
Other names: c.4050+820A>G (NM_001319034.2); c.3582+1288A>G (NM_001008844.3); short protein forms I1624V.
Identifiers: ClinVar variation 2562464 (VCV002562464.5), dbSNP rs1244793317, ClinGen allele CA16622020.

ClinVar aggregate classification (germline): Uncertain significance. Review status: criteria provided, multiple submitters, no conflicts (2 of 4 stars). 3 submissions from 3 submitters: Uncertain significance (3). Last evaluated 2024-03-06.

Conditions:
Cardiovascular phenotype. Identifiers: MedGen CN230736.
Arrhythmogenic cardiomyopathy with wooly hair and keratoderma. Also called: Dilated cardiomyopathy with woolly hair and keratoderma; PALMOPLANTAR KERATODERMA WITH LEFT VENTRICULAR CARDIOMYOPATHY AND WOOLLY HAIR; Carvajal syndrome; Arrhythmogenic cardiomyopathy with woolly hair and keratoderma. Identifiers: Orphanet 65282, MedGen C1854063, MONDO:0011581, OMIM 605676.
Arrhythmogenic right ventricular dysplasia 8 (ARVD8). Also called: Arrhythmogenic Right Ventricular Dysplasia/Cardiomyopathy 8; ARRHYTHMOGENIC RIGHT VENTRICULAR DYSPLASIA, FAMILIAL, 8; ARRHYTHMOGENIC RIGHT VENTRICULAR CARDIOMYOPATHY 8. Identifiers: MedGen C1843896, MONDO:0011831, OMIM 607450.
Cardiomyopathy (CMYO). Also called: Cardiomyopathies. Identifiers: Orphanet 167848, MedGen C0878544, MONDO:0004994, HP:0001638. Inheritance: Various modes of inheritance.

Allele frequency attached by ClinVar (database versions not stated): gnomAD exomes below 0.00001; gnomAD 0.00001; TOPMed 0.00001.
gnomAD v4.1: 7 of 1,613,912 alleles (0.00043%); highest among the groups gnomAD compares: East Asian, 0.0022%; no homozygotes.

Submissions (3):

Color Diagnostics, LLC DBA Color Health
Classification: Uncertain significance for Cardiomyopathy. Last evaluated: 2024-03-06. Review status: criteria provided, single submitter. Criteria: ACMG Guidelines, 2015. Collection method: clinical testing. Allele origin: germline.
Comment: This missense variant replaces isoleucine with valine at codon 1624 of the DSP protein. Computational prediction suggests that this variant may not impact protein structure and function (internally defined REVEL score threshold <= 0.5, PMID: 27666373). To our knowledge, functional studies have not been reported for this variant. This variant has not been reported in individuals affected with cardiovascular disorders in the literature. This variant has not been identified in the general population by the Genome Aggregation Database (gnomAD). The available evidence is insufficient to determine the role of this variant in disease conclusively. Therefore, this variant is classified as a Variant of Uncertain Significance.

Labcorp Genetics (formerly Invitae), Labcorp
Classification: Uncertain significance for Arrhythmogenic cardiomyopathy with wooly hair and keratoderma; Arrhythmogenic right ventricular dysplasia 8. Last evaluated: 2023-12-28. Review status: criteria provided, single submitter. Criteria: Invitae Variant Classification Sherloc (09022015). Collection method: clinical testing. Allele origin: germline.
Comment: This sequence change replaces isoleucine, which is neutral and non-polar, with valine, which is neutral and non-polar, at codon 1624 of the DSP protein (p.Ile1624Val). This variant is not present in population databases (gnomAD no frequency). This variant has not been reported in the literature in individuals affected with DSP-related conditions. ClinVar contains an entry for this variant (Variation ID: 2562464). An algorithm developed to predict the effect of missense changes on protein structure and function (PolyPhen-2) suggests that this variant¬†is likely to be tolerated. In summary, the available evidence is currently insufficient to determine the role of this variant in disease. Therefore, it has been classified as a Variant of Uncertain Significance.

Ambry Genetics
Classification: Uncertain significance for Cardiovascular phenotype. Last evaluated: 2023-04-07. Review status: criteria provided, single submitter. Criteria: Ambry Variant Classification Scheme 2023. Collection method: clinical testing. Allele origin: germline.
Comment: The p.I1624V variant (also known as c.4870A>G), located in coding exon 23 of the DSP gene, results from an A to G substitution at nucleotide position 4870. The isoleucine at codon 1624 is replaced by valine, an amino acid with highly similar properties. This amino acid position is not well conserved in available vertebrate species. In addition, this alteration is predicted to be tolerated by in silico analysis. Since supporting evidence is limited at this time, the clinical significance of this alteration remains unclear.